The following is an entry in ClinVar:

NM_206933.4(USH2A):c.12679G>A (p.Asp4227Asn)

Gene: USH2A (usherin; minus strand). Cytogenetic location: 1q41.
Variant type: single nucleotide variant.
Coding change: c.12679G>A on transcript NM_206933.4 (MANE Select); coding-DNA position 12679, G replaced by A.
Protein change: p.Asp4227Asn; replaces aspartic acid 4227 with asparagine.
Molecular consequence: missense variant.
Genome position (GRCh38, 1-based): chr1:215,675,232, C>T on the plus strand (G>A on the coding strand, the complement: USH2A is on the minus strand). VCF-style: chr1-215675232-C-T. GRCh37 (hg19) VCF-style: chr1-215848574-C-T.
Other names: short protein forms D4227N.
Identifiers: ClinVar variation 2414096 (VCV002414096.7), dbSNP rs1394540351, ClinGen allele CA344849935.

ClinVar aggregate classification (germline): Uncertain significance. Review status: criteria provided, multiple submitters, no conflicts (2 of 4 stars). 2 submissions from 2 submitters: Uncertain significance (2). Last evaluated 2024-07-02.

Allele frequency attached by ClinVar (database versions not stated): gnomAD exomes below 0.00001; TOPMed below 0.00001; gnomAD 0.00001.
gnomAD v4.1: 2 of 1,614,040 alleles (0.00012%); highest among the groups gnomAD compares: Non-Finnish European, 0.00017%; no homozygotes.

Submissions (2):

Blueprint Genetics
Classification: Uncertain significance. Last evaluated: 2024-07-02. Review status: criteria provided, single submitter. Criteria: ACMG Guidelines, 2015. Collection method: clinical testing. Allele origin: germline.

Labcorp Genetics (formerly Invitae), Labcorp
Classification: Uncertain significance. Last evaluated: 2022-01-28. Review status: criteria provided, single submitter. Criteria: Invitae Variant Classification Sherloc (09022015). Collection method: clinical testing. Allele origin: germline.
Comment: Algorithms developed to predict the effect of missense changes on protein structure and function are either unavailable or do not agree on the potential impact of this missense change (SIFT: "Deleterious"; PolyPhen-2: "Probably Damaging"; Align-GVGD: "Class C15"). This variant has not been reported in the literature in individuals affected with USH2A-related conditions. This variant is not present in population databases (gnomAD no frequency). This sequence change replaces aspartic acid, which is acidic and polar, with asparagine, which is neutral and polar, at codon 4227 of the USH2A protein (p.Asp4227Asn). In summary, the available evidence is currently insufficient to determine the role of this variant in disease. Therefore, it has been classified as a Variant of Uncertain Significance.